The following is an entry in ClinVar:

NM_207391.3(RGS9BP):c.548C>T (p.Ala183Val)

Gene: RGS9BP (regulator of G protein signaling 9 binding protein; plus strand). Cytogenetic location: 19q13.11.
Variant type: single nucleotide variant.
Coding change: c.548C>T on transcript NM_207391.3 (MANE Select); coding-DNA position 548, C replaced by T.
Protein change: p.Ala183Val; replaces alanine 183 with valine.
Molecular consequence: missense variant.
Genome position (GRCh38, 1-based): chr19:32,676,811, C>T. VCF-style: chr19-32676811-C-T. GRCh37 (hg19) VCF-style: chr19-33167717-C-T.
Other names: short protein forms A183V.
Identifiers: ClinVar variation 966260 (VCV000966260.7), dbSNP rs1968014027, ClinGen allele CA405187086.
Genomic context (GRCh38, chr19:32,676,811, plus strand): 5'-ACATGGAGATGAAGGTCAACGTGCCCCGCTGGACCGTGCAAGCCCGGCAGGCGGCGGGCG[C>T]CGAGCTCCTGTCCACGGTCAGCGCCGGCCCCTCCTCGGTCGTGTCCTTGCAGGAGCGCGG-3'
Protein context (NP_997274.2, residues 173-193): WTVQARQAAG[Ala183Val]ELLSTVSAGP

ClinVar aggregate classification (germline): Uncertain significance (1 of 4 stars; one submission).

Allele frequency attached by ClinVar (database versions not stated): gnomAD exomes below 0.00001; gnomAD 0.00001.

Submission:

Labcorp Genetics (formerly Invitae), Labcorp
Classification: Uncertain significance. Last evaluated: 2022-10-13. Review status: criteria provided, single submitter. Criteria: Invitae Variant Classification Sherloc (09022015). Collection method: clinical testing. Allele origin: germline.
Comment: This sequence change replaces alanine, which is neutral and non-polar, with valine, which is neutral and non-polar, at codon 183 of the RGS9BP protein (p.Ala183Val). This variant is not present in population databases (gnomAD no frequency). This variant has not been reported in the literature in individuals affected with RGS9BP-related conditions. ClinVar contains an entry for this variant (Variation ID: 966260). Algorithms developed to predict the effect of missense changes on protein structure and function (SIFT, PolyPhen-2, Align-GVGD) all suggest that this variant is likely to be disruptive. In summary, the available evidence is currently insufficient to determine the role of this variant in disease. Therefore, it has been classified as a Variant of Uncertain Significance.